The following is an entry in ClinVar:

ClinVar aggregate classification (germline): Uncertain significance (1 of 4 stars; one submission).

Conditions:
Fanconi anemia (FA). Also called: Fanconi's anemia. Identifiers: Orphanet 84, MedGen C0015625, MeSH D005199, MONDO:0019391.

Allele frequency attached by ClinVar (database versions not stated): gnomAD exomes below 0.00001; ExAC 0.00001.

Submission:

Labcorp Genetics (formerly Invitae), Labcorp
Classification: Uncertain significance for Fanconi anemia. Last evaluated: 2022-10-25. Review status: criteria provided, single submitter. Criteria: Invitae Variant Classification Sherloc (09022015). Collection method: clinical testing. Allele origin: germline.
Comment: This sequence change affects codon 202 of the FANCF mRNA. It is a 'silent' change, meaning that it does not change the encoded amino acid sequence of the FANCF protein. This variant is not present in population databases (gnomAD no frequency). This variant has not been reported in the literature in individuals affected with FANCF-related conditions. In summary, the available evidence is currently insufficient to determine the role of this variant in disease. Therefore, it has been classified as a Variant of Uncertain Significance.

NM_022725.4(FANCF):c.606G>T (p.Leu202=)

Gene: FANCF (FA complementation group F; minus strand). Cytogenetic location: 11p14.3.
Variant type: single nucleotide variant.
Coding change: c.606G>T on transcript NM_022725.4 (MANE Select); coding-DNA position 606, G replaced by T.
Protein change: p.Leu202=; no amino-acid change (leucine 202 retained).
Molecular consequence: synonymous variant.
Genome position (GRCh38, 1-based): chr11:22,625,205, C>A on the plus strand (G>T on the coding strand, the complement: FANCF is on the minus strand). VCF-style: chr11-22625205-C-A. GRCh37 (hg19) VCF-style: chr11-22646751-C-A.
Identifiers: ClinVar variation 2036749 (VCV002036749.4), dbSNP rs750306289, ClinGen allele CA5924302.
Genomic context (GRCh38, chr11:22,625,205, plus strand): 5'-CAACTCTTCTTGGGGCCGACGAGACAAAGGCGGCTGCAACAGCGCCACCGCTATCACCTT[C>A]AGGAAGTTGTTCTGAGGCAAGCGCTCCCACAGGCTGCTGAGAAACCTGGCGGGACGCTCC-3'
Protein context (NP_073562.1, residues 192-212): LWERLPQNNF[Leu202=]KVIAVALLQP